The following is an entry in ClinVar:

NM_015459.5(ATL3):c.1463del (p.Gly488fs)

Genes: ATL3 (atlastin GTPase 3; minus strand), LNCROPM (lncRNA regulator of PLAAT3 mediated phospholipid metabolism; plus strand). Cytogenetic location: 11q13.1.
Variant type: Deletion.
Coding change: c.1463del on transcript NM_015459.5 (MANE Select); coding-DNA position 1463, one base deleted (G; older notation c.1463delG).
Protein change: p.Gly488fs; shifts the reading frame from glycine 488.
Molecular consequence: frameshift variant.
Genome position (GRCh38, 1-based): chr11:63,631,116, C deleted on the plus strand (G on the coding strand, the reverse complement: ATL3 is on the minus strand); the first of 4 consecutive C bases (chr11:63,631,116-63,631,119); deleting any one gives the same sequence. VCF-style (leftmost placement, unchanged base first): chr11-63631115-GC-G. GRCh37 (hg19) VCF-style: chr11-63398587-GC-G.
Other names: c.1409del, p.Gly470fs (NM_001290048.2); c.1412del, p.Gly471fs (NM_001440716.1); c.1406del, p.Gly469fs (NM_001440717.1); c.1391del, p.Gly464fs (NM_001440718.1); c.1358del, p.Gly453fs (NM_001440719.1); c.1352del, p.Gly451fs (NM_001440720.1); c.1307del, p.Gly436fs (NM_001440721.1); c.1250del, p.Gly417fs (NM_001440722.1); short protein forms G417fs, G436fs, G451fs, G453fs, G464fs, G469fs, G470fs, G471fs.
Identifiers: ClinVar variation 4883901 (VCV004883901.2).
Genomic context (GRCh38, chr11:63,631,115, plus strand): 5'-TGCGGCACCAAAATCAATAGCTCCGCCCAGCTCACGATATTGACCAGAATACCTGATGTA[GC>G]CCCAGGTGAGGAGTGCTATTAACAGTAGTCCAACCATACAGTTGAACAACTGGGCTACAA-3'

ClinVar aggregate classification (germline): Uncertain significance (1 of 4 stars; one submission).

Conditions:
Neuropathy, hereditary sensory, type 1F. Also called: HSN IF; Hereditary sensory neuropathy type IF. Identifiers: Orphanet 36386, MedGen C3810194, MONDO:0014286, OMIM 615632.

Submission:

Dasa
Classification: Uncertain significance for Neuropathy, hereditary sensory, type 1F. Last evaluated: 2025-04-10. Review status: criteria provided, single submitter. Criteria: DASA Assertion Criteria. Collection method: clinical testing. Allele origin: germline.
Comment: NM_015459.5(ATL3):c.1463del (p.Gly488Alafs*39) is a frameshift variant in ATL3 predicted to alter the reading frame and introduce a premature termination codon. This variant is absent from population databases. The currently available literature and clinical evidence are not sufficient to establish a definitive association between this variant and the reported condition. Therefore, this variant is classified as a variant of uncertain significance.